The following is an entry in ClinVar:

ClinVar aggregate classification (germline): Uncertain significance (1 of 4 stars; one submission).

Conditions:
Developmental and epileptic encephalopathy, 31A. Also called: Epileptic encephalopathy, early infantile, 31; Developmental and epileptic encephalopathy, 31. Identifiers: Orphanet 2382, MedGen C4225357, MONDO:0014598, OMIM 616346.

Submission:

Labcorp Genetics (formerly Invitae), Labcorp
Classification: Uncertain significance for Developmental and epileptic encephalopathy, 31A. Last evaluated: 2022-07-01. Review status: criteria provided, single submitter. Criteria: Invitae Variant Classification Sherloc (09022015). Collection method: clinical testing. Allele origin: germline.
Comment: In summary, the available evidence is currently insufficient to determine the role of this variant in disease. Therefore, it has been classified as a Variant of Uncertain Significance. Advanced modeling of protein sequence and biophysical properties (such as structural, functional, and spatial information, amino acid conservation, physicochemical variation, residue mobility, and thermodynamic stability) performed at Invitae indicates that this missense variant is not expected to disrupt DNM1 protein function. This variant has not been reported in the literature in individuals affected with DNM1-related conditions. This variant is not present in population databases (gnomAD no frequency). This sequence change replaces methionine, which is neutral and non-polar, with isoleucine, which is neutral and non-polar, at codon 506 of the DNM1 protein (p.Met506Ile).

NM_004408.4(DNM1):c.1518G>T (p.Met506Ile)

Gene: DNM1 (dynamin 1; plus strand). Cytogenetic location: 9q34.11.
Variant type: single nucleotide variant.
Coding change: c.1518G>T on transcript NM_004408.4 (MANE Select); coding-DNA position 1518, G replaced by T.
Protein change: p.Met506Ile; replaces methionine 506 with isoleucine.
Molecular consequence: missense variant.
Genome position (GRCh38, 1-based): chr9:128,239,752, G>T. VCF-style: chr9-128239752-G-T. GRCh37 (hg19) VCF-style: chr9-131002031-G-T.
Other names: c.1518G>T, p.Met506Ile (NM_001005336.3, NM_001288737.2, NM_001288738.2 and 2 more transcripts); short protein forms M506I.
Identifiers: ClinVar variation 2414650 (VCV002414650.9), dbSNP rs2539064323, ClinGen allele CA375024970.